The following is an entry in ClinVar:

NM_001080442.3(SLC38A8):c.159C>T (p.Gly53=)

Gene: SLC38A8 (solute carrier family 38 member 8; minus strand). Cytogenetic location: 16q23.3.
Variant type: single nucleotide variant.
Coding change: c.159C>T on transcript NM_001080442.3 (MANE Select); coding-DNA position 159, C replaced by T.
Protein change: p.Gly53=; no amino-acid change (glycine 53 retained).
Molecular consequence: synonymous variant.
Genome position (GRCh38, 1-based): chr16:84,041,999, G>A on the plus strand (C>T on the coding strand, the complement: SLC38A8 is on the minus strand). VCF-style: chr16-84041999-G-A. GRCh37 (hg19) VCF-style: chr16-84075604-G-A.
Identifiers: ClinVar variation 791599 (VCV000791599.34), dbSNP rs147597105, ClinGen allele CA8200499.

ClinVar aggregate classification (germline): Benign/Likely benign. Review status: criteria provided, multiple submitters, no conflicts (2 of 4 stars). 4 submissions from 4 submitters: Benign (1); Likely benign (2). 1 of the submissions does not count toward it. Last evaluated 2026-01-13.

Conditions:
SLC38A8-related disorder. Also called: SLC38A8-related condition.

Allele frequency attached by ClinVar (database versions not stated): 1000 Genomes Project 0.00040; 1000 Genomes Project 30x 0.00062; TOPMed 0.00136; gnomAD 0.00149 and 0.00153; gnomAD exomes 0.00166; ExAC 0.00190; ESP Exome Variant Server 0.00192.
gnomAD v4.1: 3,537 of 1,609,118 alleles (0.22%); highest among the groups gnomAD compares: Non-Finnish European, 0.26%; 4 homozygotes.

Submissions (4):

Labcorp Genetics (formerly Invitae), Labcorp
Classification: Benign. Last evaluated: 2026-01-13. Review status: criteria provided, single submitter. Criteria: Invitae Variant Classification Sherloc (09022015). Collection method: clinical testing. Allele origin: germline.

Blueprint Genetics
Classification: Likely benign. Last evaluated: 2024-11-23. Review status: criteria provided, single submitter. Criteria: ACMG Guidelines, 2015. Collection method: clinical testing. Allele origin: germline.

CeGaT Center for Human Genetics Tuebingen
Classification: Likely benign. Last evaluated: 2023-04-01. Review status: criteria provided, single submitter. Criteria: CeGaT Center For Human Genetics Tuebingen Variant Classification Criteria Version 2. Collection method: clinical testing. Allele origin: germline. Affected: yes. Observed: 1 variant allele.
Comment: SLC38A8: BP4, BP7

PreventionGenetics, part of Exact Sciences
Classification: Likely benign for SLC38A8-related condition. Last evaluated: 2019-11-04. Review status: no assertion criteria provided. Collection method: clinical testing. Allele origin: germline. Not counted in ClinVar's aggregate classification.
Comment: This variant is classified as likely benign based on ACMG/AMP sequence variant interpretation guidelines (Richards et al. 2015 PMID: 25741868, with internal and published modifications).